The following is an entry in ClinVar:

ClinVar aggregate classification (germline): Uncertain significance (1 of 4 stars; one submission).

Conditions:
Hereditary cancer-predisposing syndrome. Also called: Neoplastic Syndromes, Hereditary; Tumor predisposition; Hereditary neoplastic syndrome; Hereditary Cancer Syndrome. Identifiers: Orphanet 140162, MedGen C0027672, MeSH D009386, MONDO:0015356.

Allele frequency attached by ClinVar (database versions not stated): gnomAD exomes below 0.00001.
gnomAD v4.1: 1 of 1,612,506 alleles (0.000062%); highest among the groups gnomAD compares: South Asian, 0.0011%; no homozygotes.

Submission:

Ambry Genetics
Classification: Uncertain significance for Hereditary cancer-predisposing syndrome. Last evaluated: 2023-02-10. Review status: criteria provided, single submitter. Criteria: Ambry Variant Classification Scheme 2023. Collection method: clinical testing. Allele origin: germline.
Comment: The p.T578I variant (also known as c.1733C>T), located in coding exon 9 of the DICER1 gene, results from a C to T substitution at nucleotide position 1733. The threonine at codon 578 is replaced by isoleucine, an amino acid with similar properties. This amino acid position is highly conserved in available vertebrate species. In addition, the in silico prediction for this alteration is inconclusive. Since supporting evidence is limited at this time, the clinical significance of this alteration remains unclear.

NM_177438.3(DICER1):c.1733C>T (p.Thr578Ile)

Gene: DICER1 (dicer 1, ribonuclease III; minus strand). Cytogenetic location: 14q32.13.
Variant type: single nucleotide variant.
Coding change: c.1733C>T on transcript NM_177438.3 (MANE Select); coding-DNA position 1733, C replaced by T.
Protein change: p.Thr578Ile; replaces threonine 578 with isoleucine.
Molecular consequence: missense variant. On other transcripts: non-coding transcript variant (6).
Genome position (GRCh38, 1-based): chr14:95,116,472, G>A on the plus strand (C>T on the coding strand, the complement: DICER1 is on the minus strand). VCF-style: chr14-95116472-G-A. GRCh37 (hg19) VCF-style: chr14-95582809-G-A.
Other names: c.1733C>T, p.Thr578Ile (NM_001195573.1, NM_001271282.3, NM_001291628.2 and 13 more transcripts); c.1451C>T, p.Thr484Ile (NM_001395686.1); c.1328C>T, p.Thr443Ile (NM_001395687.1, NM_001395688.1, NM_001395689.1 and 3 more transcripts); c.1166C>T, p.Thr389Ile (NM_001395691.1); c.50C>T, p.Thr17Ile (NM_001395697.1); short protein forms T17I, T578I, T484I, T389I, T443I.
Identifiers: ClinVar variation 2451718 (VCV002451718.2), dbSNP rs1060503586, ClinGen allele CA390884684.